The following is an entry in ClinVar:

ClinVar aggregate classification (germline): Pathogenic (1 of 4 stars; one submission).

Conditions:
Familial cancer of breast. Also called: hereditary breast carcinoma; BREAST CANCER, FAMILIAL; Hereditary breast cancer. Identifiers: Orphanet 227535, MedGen C0346153, MONDO:0016419, OMIM 114480. Disease mechanism: loss of function.

Submission:

Labcorp Genetics (formerly Invitae), Labcorp
Classification: Pathogenic for Familial cancer of breast. Last evaluated: 2022-02-18. Review status: criteria provided, single submitter. Criteria: Invitae Variant Classification Sherloc (09022015). Collection method: clinical testing. Allele origin: germline.
Comment: ClinVar contains an entry for this variant (Variation ID: 1070087). This variant has not been reported in the literature in individuals affected with PALB2-related conditions. This variant is not present in population databases (gnomAD no frequency). This sequence change creates a premature translational stop signal (p.Glu990Argfs*21) in the PALB2 gene. It is expected to result in an absent or disrupted protein product. Loss-of-function variants in PALB2 are known to be pathogenic (PMID: 17200668, 17200671, 17200672, 24136930, 25099575). For these reasons, this variant has been classified as Pathogenic.

Literature cited by the submitters: PubMed 17200668; PubMed 17200671; PubMed 17200672; PubMed 24136930; PubMed 25099575.

NM_024675.4(PALB2):c.2966dup (p.Glu990fs)

Gene: PALB2 (partner and localizer of BRCA2; minus strand). Cytogenetic location: 16p12.2.
Variant type: Duplication.
Coding change: c.2966dup on transcript NM_024675.4 (MANE Select); coding-DNA position 2966, one base duplicated (T; older notation c.2966dupT).
Protein change: p.Glu990fs; shifts the reading frame from glutamic acid 990.
Molecular consequence: frameshift variant.
Genome position (GRCh38, 1-based): chr16:23,622,999, A duplicated on the plus strand (T on the coding strand, the reverse complement: PALB2 is on the minus strand). VCF-style (leftmost placement, unchanged base first): chr16-23622998-T-TA. GRCh37 (hg19) VCF-style: chr16-23634319-T-TA.
Other names: short protein forms E990fs.
Identifiers: ClinVar variation 1070087 (VCV001070087.8), dbSNP rs2142334914, ClinGen allele CA2499223414.